The following is an entry in ClinVar:

ClinVar aggregate classification (germline): Pathogenic (1 of 4 stars; one submission).

Allele frequency attached by ClinVar (database versions not stated): gnomAD exomes 0.00001; TOPMed 0.00002; gnomAD 0.00003.
gnomAD v4.1: 12 of 1,613,744 alleles (0.00074%); highest among the groups gnomAD compares: Admixed American, 0.005%; no homozygotes.

Submission:

Labcorp Genetics (formerly Invitae), Labcorp
Classification: Pathogenic. Last evaluated: 2022-07-05. Review status: criteria provided, single submitter. Criteria: Invitae Variant Classification Sherloc (09022015). Collection method: clinical testing. Allele origin: germline.
Comment: This sequence change creates a premature translational stop signal (p.Arg345*) in the NEK9 gene. It is expected to result in an absent or disrupted protein product. Loss-of-function variants in NEK9 are known to be pathogenic (PMID: 26908619, 29096039). This variant is present in population databases (no rsID available, gnomAD 0.003%). This variant has not been reported in the literature in individuals affected with NEK9-related conditions. For these reasons, this variant has been classified as Pathogenic.

Literature cited by the submitters: PubMed 26908619; PubMed 29096039.

NM_033116.6(NEK9):c.1033C>T (p.Arg345Ter)

Gene: NEK9 (NIMA related kinase 9; minus strand). Cytogenetic location: 14q24.3.
Variant type: single nucleotide variant.
Coding change: c.1033C>T on transcript NM_033116.6 (MANE Select); coding-DNA position 1033, C replaced by T.
Protein change: p.Arg345Ter; replaces arginine 345 with a stop codon.
Molecular consequence: nonsense.
Genome position (GRCh38, 1-based): chr14:75,109,834, G>A on the plus strand (C>T on the coding strand, the complement: NEK9 is on the minus strand). VCF-style: chr14-75109834-G-A. GRCh37 (hg19) VCF-style: chr14-75576537-G-A.
Other names: c.1033C>T, p.Arg345Ter (NM_001329237.2); c.679C>T, p.Arg227Ter (NM_001329238.2); short protein forms R345*, R227*.
Identifiers: ClinVar variation 2054772 (VCV002054772.1), dbSNP rs1237535497, ClinGen allele CA390450779.